The following is an entry in ClinVar:

NM_004963.4(GUCY2C):c.2602-1G>C

Gene: GUCY2C (guanylate cyclase 2C; minus strand). Cytogenetic location: 12p12.3.
Variant type: single nucleotide variant.
Coding change: c.2602-1G>C on transcript NM_004963.4 (MANE Select); the canonical splice acceptor site of the intron before coding-DNA position 2602, G replaced by C.
Molecular consequence: splice acceptor variant.
Genome position (GRCh38, 1-based): chr12:14,621,217, C>G on the plus strand (G>C on the coding strand, the complement: GUCY2C is on the minus strand). VCF-style: chr12-14621217-C-G. GRCh37 (hg19) VCF-style: chr12-14774151-C-G.
Identifiers: ClinVar variation 2751086 (VCV002751086.4), dbSNP rs1298824391, ClinGen allele CA383994879.
Genomic context (GRCh38, chr12:14,621,217, plus strand): 5'-ATTGCCATTTCTCTTAGGCAAACCACTAGCCACCATGTACGCATCACCGATGGTTTCCAC[C>G]TGTGGAAACAGTTTCTCATGAGTGCCTCTGCCCCTTTGAAAAGTATAGAAAGTAAACAGA-3'

ClinVar aggregate classification (germline): Uncertain significance. Review status: criteria provided, multiple submitters, no conflicts (2 of 4 stars). 2 submissions from 2 submitters: Uncertain significance (2). Last evaluated 2025-06-29.

Submissions (2):

GeneDx
Classification: Uncertain significance. Last evaluated: 2025-06-29. Review status: criteria provided, single submitter. Criteria: GeneDx Variant Classification Process June 2021. Collection method: clinical testing. Allele origin: germline. Affected: yes.
Comment: Not observed at significant frequency in large population cohorts (gnomAD); Canonical splice site variant in a gene or region of a gene for which loss of function is not a well-established mechanism of disease; Has not been previously published as pathogenic or benign to our knowledge

Labcorp Genetics (formerly Invitae), Labcorp
Classification: Uncertain significance. Last evaluated: 2023-09-12. Review status: criteria provided, single submitter. Criteria: Invitae Variant Classification Sherloc (09022015). Collection method: clinical testing. Allele origin: germline.
Comment: Algorithms developed to predict the effect of sequence changes on RNA splicing suggest that this variant may disrupt the consensus splice site. In summary, the available evidence is currently insufficient to determine the role of this variant in disease. Therefore, it has been classified as a Variant of Uncertain Significance. This variant has not been reported in the literature in individuals affected with GUCY2C-related conditions. This variant is not present in population databases (gnomAD no frequency). This sequence change affects an acceptor splice site in intron 22 of the GUCY2C gene. It is expected to disrupt RNA splicing. Variants that disrupt the donor or acceptor splice site typically lead to a loss of protein function (PMID: 16199547), however the current clinical and genetic evidence is not sufficient to establish whether loss-of-function variants in GUCY2C cause disease.

Literature cited by the submitters: PubMed 16199547 (cited by Labcorp Genetics (formerly Invitae), Labcorp).